The following is an entry in ClinVar:

ClinVar aggregate classification (germline): Likely benign (1 of 4 stars; one submission).

Allele frequency attached by ClinVar (database versions not stated): gnomAD 0.00002; TOPMed 0.00002.
gnomAD v4.1: 31 of 1,612,686 alleles (0.0019%); highest among the groups gnomAD compares: Non-Finnish European, 0.0026%; no homozygotes.

Submission:

CeGaT Center for Human Genetics Tuebingen
Classification: Likely benign. Last evaluated: 2022-05-01. Review status: criteria provided, single submitter. Criteria: CeGaT Center For Human Genetics Tuebingen Variant Classification Criteria Version 2. Collection method: clinical testing. Allele origin: germline. Affected: yes. Observed: 1 variant allele.
Comment: VARS1: BP4, BP7

NM_006295.3(VARS1):c.3346C>A (p.Arg1116=)

Gene: VARS1 (valyl-tRNA synthetase 1; minus strand). Cytogenetic location: 6p21.33.
Variant type: single nucleotide variant.
Coding change: c.3346C>A on transcript NM_006295.3 (MANE Select); coding-DNA position 3346, C replaced by A.
Protein change: p.Arg1116=; no amino-acid change (arginine 1116 retained).
Molecular consequence: synonymous variant.
Genome position (GRCh38, 1-based): chr6:31,779,479, G>T on the plus strand (C>A on the coding strand, the complement: VARS1 is on the minus strand). VCF-style: chr6-31779479-G-T. GRCh37 (hg19) VCF-style: chr6-31747256-G-T.
Identifiers: ClinVar variation 2656421 (VCV002656421.24), dbSNP rs1226600950, ClinGen allele CA449802964.